The following is an entry in ClinVar:

ClinVar aggregate classification (germline): Uncertain significance (1 of 4 stars; one submission).

Conditions:
Intellectual developmental disorder, autosomal dominant 6, with or without seizures. Also called: GRIN2B-related developmental delay, intellectual disability and autism spectrum disorder; Intellectual disability, autosomal dominant 6. Identifiers: Orphanet 589547, MedGen C3151411, MONDO:0013509, OMIM 613970.
Developmental and epileptic encephalopathy, 27 (DEE27). Also called: GRIN2B-Related Neurodevelopmental Disorder; Epileptic encephalopathy, early infantile, 27. Identifiers: Orphanet 3451, MedGen C4015316, MONDO:0014505, OMIM 616139.

Allele frequency attached by ClinVar (database versions not stated): gnomAD exomes below 0.00001.

Submission:

Labcorp Genetics (formerly Invitae), Labcorp
Classification: Uncertain significance for Developmental and epileptic encephalopathy, 27; Intellectual developmental disorder, autosomal dominant 6, with or without seizures. Last evaluated: 2023-06-30. Review status: criteria provided, single submitter. Criteria: Invitae Variant Classification Sherloc (09022015). Collection method: clinical testing. Allele origin: germline.
Comment: In summary, the available evidence is currently insufficient to determine the role of this variant in disease. Therefore, it has been classified as a Variant of Uncertain Significance. Advanced modeling of protein sequence and biophysical properties (such as structural, functional, and spatial information, amino acid conservation, physicochemical variation, residue mobility, and thermodynamic stability) performed at Invitae indicates that this missense variant is not expected to disrupt GRIN2B protein function. ClinVar contains an entry for this variant (Variation ID: 1387099). This variant has not been reported in the literature in individuals affected with GRIN2B-related conditions. The frequency data for this variant in the population databases is considered unreliable, as metrics indicate poor data quality at this position in the gnomAD database. This sequence change replaces serine, which is neutral and polar, with asparagine, which is neutral and polar, at codon 1159 of the GRIN2B protein (p.Ser1159Asn).

NM_000834.5(GRIN2B):c.3476G>A (p.Ser1159Asn)

Gene: GRIN2B (glutamate ionotropic receptor NMDA type subunit 2B; minus strand). Cytogenetic location: 12p13.1.
Variant type: single nucleotide variant.
Coding change: c.3476G>A on transcript NM_000834.5 (MANE Select); coding-DNA position 3476, G replaced by A.
Protein change: p.Ser1159Asn; replaces serine 1159 with asparagine.
Molecular consequence: missense variant.
Genome position (GRCh38, 1-based): chr12:13,563,762, C>T on the plus strand (G>A on the coding strand, the complement: GRIN2B is on the minus strand). VCF-style: chr12-13563762-C-T. GRCh37 (hg19) VCF-style: chr12-13716696-C-T.
Other names: short protein forms S1159N.
Identifiers: ClinVar variation 1387099 (VCV001387099.8), dbSNP rs1220848394, ClinGen allele CA383989104.